The following is an entry in ClinVar:

NM_004415.4(DSP):c.4386C>T (p.Ser1462=)

Gene: DSP (desmoplakin; plus strand). Cytogenetic location: 6p24.3.
Variant type: single nucleotide variant.
Coding change: c.4386C>T on transcript NM_004415.4 (MANE Select); coding-DNA position 4386, C replaced by T.
Protein change: p.Ser1462=; no amino-acid change (serine 1462 retained).
Molecular consequence: synonymous variant. On other transcripts: intron variant (2).
Genome position (GRCh38, 1-based): chr6:7,580,576, C>T. VCF-style: chr6-7580576-C-T. GRCh37 (hg19) VCF-style: chr6-7580809-C-T.
Other names: c.4386C>T (NM_004415.3); c.4050+336C>T (NM_001319034.2); c.3582+804C>T (NM_001008844.3).
Identifiers: ClinVar variation 698384 (VCV000698384.16), dbSNP rs149981214, ClinGen allele CA041264.
Genomic context (GRCh38, chr6:7,580,576, plus strand): 5'-GAGGAAACAGCAGCTGGAGGTTGAGCTGAGACAAGTCACTCAGATGCGAACAGAGGAGAG[C>T]GTAAGATATAAGCAATCTCTTGATGATGCTGCCAAAACCATCCAGGATAAAAACAAGGAG-3'
Protein context (NP_004406.2, residues 1452-1472): RQVTQMRTEE[Ser1462=]VRYKQSLDDA

ClinVar aggregate classification (germline): Likely benign. Review status: criteria provided, multiple submitters, no conflicts (2 of 4 stars). 7 submissions from 7 submitters: Likely benign (7). Last evaluated 2026-06-06.

Conditions:
DSP-related disorder. Also called: DSP-related condition; DSP-related disorders.
Cardiomyopathy (CMYO). Also called: Cardiomyopathies. Identifiers: Orphanet 167848, MedGen C0878544, MONDO:0004994, HP:0001638. Inheritance: Various modes of inheritance.
Arrhythmogenic right ventricular dysplasia 8 (ARVD8). Also called: Arrhythmogenic Right Ventricular Dysplasia/Cardiomyopathy 8; ARRHYTHMOGENIC RIGHT VENTRICULAR CARDIOMYOPATHY 8; ARRHYTHMOGENIC RIGHT VENTRICULAR DYSPLASIA, FAMILIAL, 8. Identifiers: MedGen C1843896, MONDO:0011831, OMIM 607450.
Arrhythmogenic cardiomyopathy with wooly hair and keratoderma. Also called: Arrhythmogenic cardiomyopathy with woolly hair and keratoderma; Carvajal syndrome; PALMOPLANTAR KERATODERMA WITH LEFT VENTRICULAR CARDIOMYOPATHY AND WOOLLY HAIR; Dilated cardiomyopathy with woolly hair and keratoderma. Identifiers: Orphanet 65282, MedGen C1854063, MONDO:0011581, OMIM 605676.
Cardiovascular phenotype. Identifiers: MedGen CN230736.

Allele frequency attached by ClinVar (database versions not stated): gnomAD 0.00001 and 0.00013; gnomAD exomes 0.00006; ExAC 0.00008; ESP Exome Variant Server 0.00008; TOPMed 0.00020.
gnomAD v4.1: 49 of 1,613,830 alleles (0.003%); highest among the groups gnomAD compares: Middle Eastern, 0.016%; 1 homozygote.

Submissions (7):

PreventionGenetics, part of Exact Sciences
Classification: Likely benign for DSP-related condition. Last evaluated: 2026-06-06. Review status: criteria provided, single submitter. Criteria: ACMG Guidelines, 2015. Collection method: clinical testing. Allele origin: germline.
Comment: This variant is classified as likely benign based on ACMG/AMP sequence variant interpretation guidelines (Richards et al. 2015 PMID: 25741868, with internal and published modifications).

Labcorp Genetics (formerly Invitae), Labcorp
Classification: Likely benign for Arrhythmogenic cardiomyopathy with wooly hair and keratoderma; Arrhythmogenic right ventricular dysplasia 8. Last evaluated: 2025-10-24. Review status: criteria provided, single submitter. Criteria: Invitae Variant Classification Sherloc (09022015). Collection method: clinical testing. Allele origin: germline.

Blueprint Genetics
Classification: Likely benign. Last evaluated: 2024-06-24. Review status: criteria provided, single submitter. Criteria: ACMG Guidelines, 2015. Collection method: clinical testing. Allele origin: germline.

All of Us Research Program, National Institutes of Health
Classification: Likely benign for Arrhythmogenic cardiomyopathy with wooly hair and keratoderma. Last evaluated: 2023-10-23. Review status: criteria provided, single submitter. Criteria: ACMG Guidelines, 2015. Collection method: clinical testing. Allele origin: germline. Inheritance: Autosomal dominant inheritance. Observed: 4 variant alleles, 4 heterozygotes.
Comment: This study involves interpretation of variants in research participants for the purpose of population health screening. Participant phenotype was not available at the time of variant classification. Additional details can be found in publication PMID: 35346344, PMCID: PMC8962531

Ambry Genetics
Classification: Likely benign for Cardiovascular phenotype. Last evaluated: 2023-06-29. Review status: criteria provided, single submitter. Criteria: Ambry Variant Classification Scheme 2023. Collection method: clinical testing. Allele origin: germline.

GeneDx
Classification: Likely benign. Last evaluated: 2020-02-19. Review status: criteria provided, single submitter. Criteria: GeneDx Variant Classification Process June 2021. Collection method: clinical testing. Allele origin: germline. Affected: yes.

Color Diagnostics, LLC DBA Color Health
Classification: Likely benign for Cardiomyopathy. Last evaluated: 2019-07-02. Review status: criteria provided, single submitter. Criteria: ACMG Guidelines, 2015. Collection method: clinical testing. Allele origin: germline.